The following is an entry in ClinVar:

ClinVar aggregate classification (germline): Likely benign. Review status: criteria provided, multiple submitters, no conflicts (2 of 4 stars). 2 submissions from 2 submitters: Likely benign (2). Last evaluated 2023-10-17.

Conditions:
Glutathione synthetase deficiency with 5-oxoprolinuria. Also called: Reduced glutathione synthetase level; Gluthathione synthetase deficiency; PYROGLUTAMIC ACIDURIA; 5-Oxoprolinuria; 5-OXOPROLINURIA DUE TO GLUTATHIONE SYNTHETASE DEFICIENCY. Identifiers: Orphanet 289846, MedGen C0398746, MONDO:0009947, OMIM 266130, HP:0003343.

Allele frequency attached by ClinVar (database versions not stated): gnomAD exomes below 0.00001.
gnomAD v4.1: 4 of 1,613,912 alleles (0.00025%); highest among the groups gnomAD compares: Middle Eastern, 0.017%; no homozygotes.

Submissions (2):

Labcorp Genetics (formerly Invitae), Labcorp
Classification: Likely benign for Glutathione synthetase deficiency with 5-oxoprolinuria. Last evaluated: 2023-10-17. Review status: criteria provided, single submitter. Criteria: Invitae Variant Classification Sherloc (09022015). Collection method: clinical testing. Allele origin: germline.

GeneDx
Classification: Likely benign. Last evaluated: 2017-04-04. Review status: criteria provided, single submitter. Criteria: GeneDx Variant Classification (06012015). Collection method: clinical testing. Allele origin: germline. Affected: yes.
Comment: This variant is considered likely benign or benign based on one or more of the following criteria: it is a conservative change, it occurs at a poorly conserved position in the protein, it is predicted to be benign by multiple in silico algorithms, and/or has population frequency not consistent with disease.

NM_000178.4(GSS):c.462C>T (p.Gly154=)

Gene: GSS (glutathione synthetase; minus strand). Cytogenetic location: 20q11.22.
Variant type: single nucleotide variant.
Coding change: c.462C>T on transcript NM_000178.4 (MANE Select); coding-DNA position 462, C replaced by T.
Protein change: p.Gly154=; no amino-acid change (glycine 154 retained).
Molecular consequence: synonymous variant.
Genome position (GRCh38, 1-based): chr20:34,942,517, G>A on the plus strand (C>T on the coding strand, the complement: GSS is on the minus strand). VCF-style: chr20-34942517-G-A. GRCh37 (hg19) VCF-style: chr20-33530320-G-A.
Other names: c.462C>T, p.Gly154= (LRG_1168t1, NM_001322494.1, NM_001322495.1).
Identifiers: ClinVar variation 508203 (VCV000508203.4), dbSNP rs1326342374, ClinGen allele CA510291110.
Genomic context (GRCh38, chr20:34,942,517, plus strand): 5'-AGGTATGCCGGGGGCTGCCCAGGGGACCCACCGGTGCACAGCTGGGGTCCGGGAGGCCAG[G>A]CCCCCAAAGCTGGCAGAGATGGTGTTGATTTCGATCTGTTTCAGGGCTGGGGAGCCATCT-3'
Protein context (NP_000169.1, residues 144-164): EINTISASFG[Gly154=]LASRTPAVHR